The following is an entry in ClinVar:

NM_001278512.2(AP3B2):c.3254T>C (p.Met1085Thr)

Genes: AP3B2 (adaptor related protein complex 3 subunit beta 2; minus strand), CPEB1-AS1 (CPEB1 antisense RNA 1; plus strand). Cytogenetic location: 15q25.2.
Variant type: single nucleotide variant.
Coding change: c.3254T>C on transcript NM_001278512.2 (MANE Select); coding-DNA position 3254, T replaced by C.
Protein change: p.Met1085Thr; replaces methionine 1085 with threonine.
Molecular consequence: missense variant.
Genome position (GRCh38, 1-based): chr15:82,659,612, A>G on the plus strand (T>C on the coding strand, the complement: AP3B2 is on the minus strand). VCF-style: chr15-82659612-A-G. GRCh37 (hg19) VCF-style: chr15-83328364-A-G.
Other names: c.3101T>C, p.Met1034Thr (NM_001278511.2); c.386T>C, p.Met129Thr (NM_001348441.2); c.3197T>C, p.Met1066Thr (NM_004644.5); short protein forms M129T, M1085T, M1034T, M1066T.
Identifiers: ClinVar variation 2126463 (VCV002126463.4), dbSNP rs2548691726, ClinGen allele CA393305233.

ClinVar aggregate classification (germline): Uncertain significance (1 of 4 stars; one submission).

Submission:

Labcorp Genetics (formerly Invitae), Labcorp
Classification: Uncertain significance. Last evaluated: 2022-04-15. Review status: criteria provided, single submitter. Criteria: Invitae Variant Classification Sherloc (09022015). Collection method: clinical testing. Allele origin: germline.
Comment: In summary, the available evidence is currently insufficient to determine the role of this variant in disease. Therefore, it has been classified as a Variant of Uncertain Significance. Algorithms developed to predict the effect of missense changes on protein structure and function (SIFT, PolyPhen-2, Align-GVGD) all suggest that this variant is likely to be tolerated. This variant has not been reported in the literature in individuals affected with AP3B2-related conditions. This variant is not present in population databases (gnomAD no frequency). This sequence change replaces methionine, which is neutral and non-polar, with threonine, which is neutral and polar, at codon 1066 of the AP3B2 protein (p.Met1066Thr).